The following is an entry in ClinVar:

ClinVar aggregate classification (germline): Likely pathogenic (1 of 4 stars; one submission).

Conditions:
Fanconi anemia (FA). Also called: Fanconi's anemia. Identifiers: Orphanet 84, MedGen C0015625, MeSH D005199, MONDO:0019391.

Submission:

Labcorp Genetics (formerly Invitae), Labcorp
Classification: Likely pathogenic for Fanconi anemia. Last evaluated: 2023-04-13. Review status: criteria provided, single submitter. Criteria: Invitae Variant Classification Sherloc (09022015). Collection method: clinical testing. Allele origin: germline.
Comment: This variant results in the deletion of part of exon 9 (c.694_695+14del) of the FANCD2 gene. It is expected to disrupt RNA splicing. Variants that disrupt the donor or acceptor splice site typically lead to a loss of protein function (PMID: 16199547), and loss-of-function variants in FANCD2 are known to be pathogenic (PMID: 17436244). In summary, the currently available evidence indicates that the variant is pathogenic, but additional data are needed to prove that conclusively. Therefore, this variant has been classified as Likely Pathogenic. Algorithms developed to predict the effect of sequence changes on RNA splicing suggest that this variant may disrupt the consensus splice site. This variant has not been reported in the literature in individuals affected with FANCD2-related conditions. This variant is not present in population databases (gnomAD no frequency).

Literature cited by the submitters: PubMed 16199547; PubMed 17436244.

NM_001018115.3(FANCD2):c.694_695+14del

Genes: FANCD2 (FA complementation group D2; plus strand), LOC107303338 (3p25 FANCD2 Alu-mediated recombination region; plus strand). Cytogenetic location: 3p25.3.
Variant type: Deletion.
Coding change: c.694_695+14del on transcript NM_001018115.3 (MANE Select); coding-DNA position 694 through 14 bases into the intron after coding-DNA position 695, 16 bases deleted (AGGTGGATAAACCCTC).
Molecular consequence: splice donor variant.
Genome position (GRCh38, 1-based): chr3:10,039,844-10,039,859, AGGTGGATAAACCCTC deleted; deleting any 16 consecutive bases within chr3:10,039,841-10,039,859 gives the same sequence; the c. name uses the placement nearest the transcript's 3' end. VCF-style (leftmost placement, unchanged base first): chr3-10039840-ACTCAGGTGGATAAACC-A. GRCh37 (hg19) VCF-style: chr3-10081524-ACTCAGGTGGATAAACC-A.
Other names: c.694_695+14del (NM_001319984.2, NM_001374253.1, NM_033084.6 and 2 more transcripts).
Identifiers: ClinVar variation 2854175 (VCV002854175.3), dbSNP rs2470740493, ClinGen allele CA2739278314.